The following is an entry in ClinVar:

NM_001849.4(COL6A2):c.2914A>C (p.Thr972Pro)

Gene: COL6A2 (collagen type VI alpha 2 chain; plus strand). Cytogenetic location: 21q22.3.
Variant type: single nucleotide variant.
Coding change: c.2914A>C on transcript NM_001849.4 (MANE Select); coding-DNA position 2914, A replaced by C.
Protein change: p.Thr972Pro; replaces threonine 972 with proline.
Molecular consequence: missense variant.
Genome position (GRCh38, 1-based): chr21:46,132,406, A>C. VCF-style: chr21-46132406-A-C. GRCh37 (hg19) VCF-style: chr21-47552320-A-C.
Other names: short protein forms T972P.
Identifiers: ClinVar variation 1348028 (VCV001348028.6), dbSNP rs754429992, ClinGen allele CA410550015.

ClinVar aggregate classification (germline): Uncertain significance (1 of 4 stars; one submission).

Conditions:
Bethlem myopathy 1A. Also called: MYOPATHY, BENIGN CONGENITAL, WITH CONTRACTURES; Bethlem Muscular Dystrophy; Bethlem myopathy 1. Identifiers: Orphanet 610, MedGen CN029274, MONDO:0024530, OMIM 158810.

Submission:

Labcorp Genetics (formerly Invitae), Labcorp
Classification: Uncertain significance for Bethlem myopathy 1A. Last evaluated: 2024-11-24. Review status: criteria provided, single submitter. Criteria: Invitae Variant Classification Sherloc (09022015). Collection method: clinical testing. Allele origin: germline.
Comment: This sequence change replaces threonine, which is neutral and polar, with proline, which is neutral and non-polar, at codon 972 of the COL6A2 protein (p.Thr972Pro). This variant is not present in population databases (gnomAD no frequency). This variant has not been reported in the literature in individuals affected with COL6A2-related conditions. ClinVar contains an entry for this variant (Variation ID: 1348028). Invitae Evidence Modeling of protein sequence and biophysical properties (such as structural, functional, and spatial information, amino acid conservation, physicochemical variation, residue mobility, and thermodynamic stability) indicates that this missense variant is expected to disrupt COL6A2 protein function with a positive predictive value of 80%. In summary, the available evidence is currently insufficient to determine the role of this variant in disease. Therefore, it has been classified as a Variant of Uncertain Significance.